The following is an entry in ClinVar:

NM_207361.6(FREM2):c.8451dup (p.Cys2818fs)

Gene: FREM2 (FRAS1 related extracellular matrix 2; plus strand). Cytogenetic location: 13q13.3.
Variant type: Duplication.
Coding change: c.8451dup on transcript NM_207361.6 (MANE Select); coding-DNA position 8451, one base duplicated (A; older notation c.8451dupA).
Protein change: p.Cys2818fs; shifts the reading frame from cysteine 2818.
Molecular consequence: frameshift variant.
Genome position (GRCh38, 1-based): chr13:38,876,289, A duplicated. VCF-style (leftmost placement, unchanged base first): chr13-38876288-C-CA. GRCh37 (hg19) VCF-style: chr13-39450425-C-CA.
Other names: c.8451dupA (NM_207361.6); short protein forms C2818fs.
Identifiers: ClinVar variation 2691573 (VCV002691573.1), dbSNP rs1171150612, ClinGen allele CA697908289.

ClinVar aggregate classification (germline): Pathogenic (1 of 4 stars; one submission).

Conditions:
Fraser syndrome 1 (FRASRS1). Also called: CRYPTOPHTHALMOS WITH OTHER MALFORMATIONS. Identifiers: Orphanet 2052, MedGen C4551480, MONDO:0054737, OMIM 219000.

Allele frequency attached by ClinVar (database versions not stated): TOPMed below 0.00001; gnomAD 0.00001.

Submission:

Women's Health and Genetics/Laboratory Corporation of America, LabCorp
Classification: Pathogenic for Fraser syndrome 1. Last evaluated: 2023-12-08. Review status: criteria provided, single submitter. Criteria: LabCorp Variant Classification Summary - May 2015. Collection method: clinical testing. Allele origin: germline.
Comment: Variant summary: FREM2 c.8451dupA (p.Cys2818MetfsX24) results in a premature termination codon, predicted to cause a truncation of the encoded protein or absence of the protein due to nonsense mediated decay, which are commonly known mechanisms for disease. The variant was absent in 251310 control chromosomes. To our knowledge, no occurrence of c.8451dupA in individuals affected with Cryptophthalmos Syndrome and no experimental evidence demonstrating its impact on protein function have been reported. No submitters have cited clinical-significance assessments for this variant to ClinVar after 2014. Based on the evidence outlined above, the variant was classified as pathogenic.